The following is an entry in ClinVar:

NM_005045.4(RELN):c.4534A>G (p.Ile1512Val)

Gene: RELN (reelin; minus strand). Cytogenetic location: 7q22.1.
Variant type: single nucleotide variant.
Coding change: c.4534A>G on transcript NM_005045.4 (MANE Select); coding-DNA position 4534, A replaced by G.
Protein change: p.Ile1512Val; replaces isoleucine 1512 with valine.
Molecular consequence: missense variant.
Genome position (GRCh38, 1-based): chr7:103,572,238, T>C on the plus strand (A>G on the coding strand, the complement: RELN is on the minus strand). VCF-style: chr7-103572238-T-C. GRCh37 (hg19) VCF-style: chr7-103212685-T-C.
Other names: c.4534A>G, p.Ile1512Val (NM_173054.3); short protein forms I1512V.
Identifiers: ClinVar variation 2193017 (VCV002193017.4), dbSNP rs371643338, ClinGen allele CA163918624.
Genomic context (GRCh38, chr7:103,572,238, plus strand): 5'-GCTTACCTTCATTTCTAGTTCTTGGTTTGATGCAGGTAATGCCTGAAGTTTTGCTTCCAA[T>C]TTGTATATAAAATTGAACAAGTCTGGGGAATAAAAACTTTAGTTTACTTACAAACAAGAG-3'
Protein context (NP_005036.2, residues 1502-1522): NIRLVQFYIQ[Ile1512Val]GSKTSGITCI

ClinVar aggregate classification (germline): Uncertain significance (1 of 4 stars; one submission).

Conditions:
Familial temporal lobe epilepsy 7. Identifiers: Orphanet 101046, MedGen C4225327, MONDO:0014639, OMIM 616436.
Norman-Roberts syndrome (LIS2). Also called: Lissencephaly 2 (Norman-Roberts type). Identifiers: Orphanet 89844, MedGen C0796089, MONDO:0009760, OMIM 257320.

Allele frequency attached by ClinVar (database versions not stated): gnomAD 0.00001; TOPMed 0.00001; gnomAD exomes 0.00002; ESP Exome Variant Server 0.00008.
gnomAD v4.1: 25 of 1,587,106 alleles (0.0016%); highest among the groups gnomAD compares: Non-Finnish European, 0.0022%; no homozygotes.

Submission:

Labcorp Genetics (formerly Invitae), Labcorp
Classification: Uncertain significance for Familial temporal lobe epilepsy 7; Norman-Roberts syndrome. Last evaluated: 2025-09-03. Review status: criteria provided, single submitter. Criteria: Invitae Variant Classification Sherloc (09022015). Collection method: clinical testing. Allele origin: germline.
Comment: This sequence change replaces isoleucine, which is neutral and non-polar, with valine, which is neutral and non-polar, at codon 1512 of the RELN protein (p.Ile1512Val). This variant is present in population databases (rs371643338, gnomAD 0.003%). This variant has not been reported in the literature in individuals affected with RELN-related conditions. ClinVar contains an entry for this variant (Variation ID: 2193017). Invitae Evidence Modeling of protein sequence and biophysical properties (such as structural, functional, and spatial information, amino acid conservation, physicochemical variation, residue mobility, and thermodynamic stability) indicates that this missense variant is not expected to disrupt RELN protein function with a negative predictive value of 80%. In summary, the available evidence is currently insufficient to determine the role of this variant in disease. Therefore, it has been classified as a Variant of Uncertain Significance.